The following is an entry in ClinVar:

NM_005327.7(HADH):c.449C>T (p.Ser150Phe)

Gene: HADH (hydroxyacyl-CoA dehydrogenase; plus strand). Cytogenetic location: 4q25.
Variant type: single nucleotide variant.
Coding change: c.449C>T on transcript NM_005327.7 (MANE Select); coding-DNA position 449, C replaced by T.
Protein change: p.Ser150Phe; replaces serine 150 with phenylalanine.
Molecular consequence: missense variant.
Genome position (GRCh38, 1-based): chr4:108,019,569, C>T. VCF-style: chr4-108019569-C-T. GRCh37 (hg19) VCF-style: chr4-108940725-C-T.
Other names: c.449C>T, p.Ser150Phe (NM_001184705.4); c.461C>T, p.Ser154Phe (NM_001331027.2); c.449C>T (NM_001184705.2); short protein forms S150F, S154F.
Identifiers: ClinVar variation 1506243 (VCV001506243.4), dbSNP rs1735809175, ClinGen allele CA357832819.

ClinVar aggregate classification (germline): Uncertain significance. Review status: criteria provided, multiple submitters, no conflicts (2 of 4 stars). 2 submissions from 2 submitters: Uncertain significance (2). Last evaluated 2026-04-22.

Conditions:
HADH-related disorder. Also called: HADH-related condition.
Deficiency of 3-hydroxyacyl-CoA dehydrogenase. Also called: 3-hydroxyacyl-CoA dehydrogenase deficiency; HADH DEFICIENCY. Identifiers: Orphanet 309127, Orphanet 71212, MedGen C1291230, MONDO:0017715, OMIM 231530.

Allele frequency attached by ClinVar (database versions not stated): gnomAD exomes below 0.00001; gnomAD 0.00001.
gnomAD v4.1: 2 of 1,613,694 alleles (0.00012%); highest among the groups gnomAD compares: African/African-American, 0.0027%; no homozygotes.

Submissions (2):

PreventionGenetics, part of Exact Sciences
Classification: Uncertain significance for HADH-related condition. Last evaluated: 2026-04-22. Review status: criteria provided, single submitter. Criteria: ACMG Guidelines, 2015. Collection method: clinical testing. Allele origin: germline.
Comment: The HADH c.449C>T variant is predicted to result in the amino acid substitution p.Ser150Phe. To our knowledge, this variant has not been reported in the literature or in a large population database (gnomAD), indicating this variant is rare. At this time, the clinical significance of this variant is uncertain due to the absence of conclusive functional and genetic evidence.

Labcorp Genetics (formerly Invitae), Labcorp
Classification: Uncertain significance for Deficiency of 3-hydroxyacyl-CoA dehydrogenase. Last evaluated: 2021-12-08. Review status: criteria provided, single submitter. Criteria: Invitae Variant Classification Sherloc (09022015). Collection method: clinical testing. Allele origin: germline.
Comment: This sequence change replaces serine, which is neutral and polar, with phenylalanine, which is neutral and non-polar, at codon 150 of the HADH protein (p.Ser150Phe). This variant is not present in population databases (gnomAD no frequency). This variant has not been reported in the literature in individuals affected with HADH-related conditions. Algorithms developed to predict the effect of missense changes on protein structure and function (SIFT, PolyPhen-2, Align-GVGD) all suggest that this variant is likely to be disruptive. In summary, the available evidence is currently insufficient to determine the role of this variant in disease. Therefore, it has been classified as a Variant of Uncertain Significance.